The following is an entry in ClinVar:

NM_003849.4(SUCLG1):c.688C>T (p.Pro230Ser)

Gene: SUCLG1 (succinate-CoA ligase GDP/ADP-forming subunit alpha; minus strand). Cytogenetic location: 2p11.2.
Variant type: single nucleotide variant.
Coding change: c.688C>T on transcript NM_003849.4 (MANE Select); coding-DNA position 688, C replaced by T.
Protein change: p.Pro230Ser; replaces proline 230 with serine.
Molecular consequence: missense variant.
Genome position (GRCh38, 1-based): chr2:84,431,645, G>A on the plus strand (C>T on the coding strand, the complement: SUCLG1 is on the minus strand). VCF-style: chr2-84431645-G-A. GRCh37 (hg19) VCF-style: chr2-84658769-G-A.
Other names: short protein forms P230S.
Identifiers: ClinVar variation 2057738 (VCV002057738.4), dbSNP rs1444843359, ClinGen allele CA347515178.

ClinVar aggregate classification (germline): Uncertain significance (1 of 4 stars; one submission).

Conditions:
Mitochondrial DNA depletion syndrome 9 (MTDPS9). Also called: SUCLG1-Related Mitochondrial DNA Depletion Syndrome, Encephalomyopathic Form with Methylmalonic Aciduria. Identifiers: Orphanet 17, MedGen C3151476, MONDO:0009504, OMIM 245400.

Allele frequency attached by ClinVar (database versions not stated): gnomAD exomes below 0.00001.

Submission:

Labcorp Genetics (formerly Invitae), Labcorp
Classification: Uncertain significance for Mitochondrial DNA depletion syndrome 9. Last evaluated: 2022-09-07. Review status: criteria provided, single submitter. Criteria: Invitae Variant Classification Sherloc (09022015). Collection method: clinical testing. Allele origin: germline.
Comment: In summary, the available evidence is currently insufficient to determine the role of this variant in disease. Therefore, it has been classified as a Variant of Uncertain Significance. Algorithms developed to predict the effect of missense changes on protein structure and function (SIFT, PolyPhen-2, Align-GVGD) all suggest that this variant is likely to be disruptive. This variant has not been reported in the literature in individuals affected with SUCLG1-related conditions. This variant is not present in population databases (gnomAD no frequency). This sequence change replaces proline, which is neutral and non-polar, with serine, which is neutral and polar, at codon 230 of the SUCLG1 protein (p.Pro230Ser).